The following is an entry in ClinVar:

NM_001366285.2(TBXT):c.571C>T (p.Gln191Ter)

Gene: TBXT (T-box transcription factor T; minus strand). Cytogenetic location: 6q27.
Variant type: single nucleotide variant.
Coding change: c.571C>T on transcript NM_001366285.2 (MANE Select); coding-DNA position 571, C replaced by T.
Protein change: p.Gln191Ter; replaces glutamine 191 with a stop codon.
Molecular consequence: nonsense.
Genome position (GRCh38, 1-based): chr6:166,165,741, G>A on the plus strand (C>T on the coding strand, the complement: TBXT is on the minus strand). VCF-style: chr6-166165741-G-A. GRCh37 (hg19) VCF-style: chr6-166579229-G-A.
Other names: c.571C>T, p.Gln191Ter (NM_001270484.2, NM_001366286.2, NM_003181.4); short protein forms Q191*.
Identifiers: ClinVar variation 488957 (VCV000488957.2), dbSNP rs761937886, ClinGen allele CA366392397.

ClinVar aggregate classification (germline): Uncertain significance (1 of 4 stars; one submission).

Submission:

GeneDx
Classification: Uncertain significance. Last evaluated: 2018-12-26. Review status: criteria provided, single submitter. Criteria: GeneDx Variant Classification (06012015). Collection method: clinical testing. Allele origin: germline. Affected: yes.
Comment: The Q191X variant in the T gene has not been reported previously as a pathogenic variant nor as a benign variant, to our knowledge. This variant is predicted to cause loss of normal protein function either through protein truncation or nonsense-mediated mRNA decay. The Q191X variant was not observed in approximately 6500 individuals of European and African American ancestry in the NHLBI Exome Sequencing Project, indicating it is not a common benign variant in these populations. We interpret Q191X as a variant of uncertain significance.